The following is an entry in ClinVar:

NM_001035.3(RYR2):c.6866G>A (p.Gly2289Glu)

Gene: RYR2 (ryanodine receptor 2; plus strand). Cytogenetic location: 1q43.
Variant type: single nucleotide variant.
Coding change: c.6866G>A on transcript NM_001035.3 (MANE Select); coding-DNA position 6866, G replaced by A.
Protein change: p.Gly2289Glu; replaces glycine 2289 with glutamic acid.
Molecular consequence: missense variant.
Genome position (GRCh38, 1-based): chr1:237,638,430, G>A. VCF-style: chr1-237638430-G-A. GRCh37 (hg19) VCF-style: chr1-237801730-G-A.
Other names: short protein forms G2289E.
Identifiers: ClinVar variation 4158445 (VCV004158445.1).

ClinVar aggregate classification (germline): Uncertain significance (1 of 4 stars; one submission).

Conditions:
Cardiovascular phenotype. Identifiers: MedGen CN230736.

gnomAD v4.1: 1 of 1,613,956 alleles (0.000062%); highest among the groups gnomAD compares: Non-Finnish European, 0.000085%; no homozygotes.

Submission:

Ambry Genetics
Classification: Uncertain significance for Cardiovascular phenotype. Last evaluated: 2025-08-28. Review status: criteria provided, single submitter. Criteria: Ambry Variant Classification Scheme 2023. Collection method: clinical testing. Allele origin: germline.
Comment: The p.G2289E variant (also known as c.6866G>A), located in coding exon 45 of the RYR2 gene, results from a G to A substitution at nucleotide position 6866. The glycine at codon 2289 is replaced by glutamic acid, an amino acid with similar properties. This amino acid position is highly conserved in available vertebrate species. In addition, this alteration is predicted to be deleterious by in silico analysis. Based on the available evidence, the clinical significance of this variant remains unclear.